The following is an entry in ClinVar:

ClinVar aggregate classification (germline): Pathogenic/Likely pathogenic. Review status: criteria provided, multiple submitters, no conflicts (2 of 4 stars). 3 submissions from 3 submitters: Pathogenic (1); Likely pathogenic (1). 1 of the submissions does not count toward it. Last evaluated 2025-02-18.

Conditions:
Galactosylceramide beta-galactosidase deficiency. Also called: Krabbe Disease; GALACTOCEREBROSIDASE DEFICIENCY; GALC DEFICIENCY; GLOBOID CELL LEUKOENCEPHALOPATHY; Leukodystrophy, Globoid Cell. Identifiers: Orphanet 487, MedGen C0023521, MONDO:0009499, OMIM 245200.

Submissions (3):

Natera, Inc.
Classification: Likely pathogenic for Galactosylceramide beta-galactosidase deficiency. Last evaluated: 2025-02-18. Review status: criteria provided, single submitter. Criteria: Natera Variant Classification Schema (03/2026). Collection method: clinical testing. Allele origin: germline.
Comment: The c.1884dup variant in GALC is a frameshift variant predicted to shift the reading frame beginning at codon 629 and leads to a stop codon 9 codons downstream. This variant is expected to result in nonsense mediated decay, truncation, or a dysfunctional protein product. This variant is rare in the general population with a frequency below the threshold expected for the associated phenotype(s). Given the available evidence, this variant is classified as Likely Pathogenic.

Labcorp Genetics (formerly Invitae), Labcorp
Classification: Pathogenic for Galactosylceramide beta-galactosidase deficiency. Last evaluated: 2021-02-18. Review status: criteria provided, single submitter. Criteria: Invitae Variant Classification Sherloc (09022015). Collection method: clinical testing. Allele origin: germline.
Comment: Experimental studies have shown that this variant affects GALC protein function (PMID: 27638593). This sequence change creates a premature translational stop signal (p.Trp629Metfs*9) in the GALC gene. While this is not anticipated to result in nonsense mediated decay, it is expected to disrupt the last 57 amino acid(s) of the GALC protein. This variant is not present in population databases (ExAC no frequency). This variant has been observed in individual(s) with Krabbe disease (PMID: 29120458). This variant is also known as 1837insA. ClinVar contains an entry for this variant (Variation ID: 557679). This variant disrupts the C-terminus of the GALC protein. Other variant(s) that disrupt this region (p.Trp629Cysfs*6) have been determined to be pathogenic (PMID: 11151421, Invitae). This suggests that variants that disrupt this region of the protein are likely to be causative of disease. For these reasons, this variant has been classified as Pathogenic.

Counsyl
Classification: Likely pathogenic for Galactosylceramide beta-galactosidase deficiency. Last evaluated: 2018-04-12. Review status: no assertion criteria provided. Collection method: clinical testing. Allele origin: unknown. Not counted in ClinVar's aggregate classification.

Literature cited by the submitters: PubMed 27638593 (cited by Labcorp Genetics (formerly Invitae), Labcorp and Counsyl); PubMed 29120458 (cited by Labcorp Genetics (formerly Invitae), Labcorp and Counsyl); PubMed 11151421 (cited by Labcorp Genetics (formerly Invitae), Labcorp).

NM_000153.4(GALC):c.1884dup (p.Trp629fs)

Gene: GALC (galactosylceramidase; minus strand). Cytogenetic location: 14q31.3.
Variant type: Duplication.
Coding change: c.1884dup on transcript NM_000153.4 (MANE Select); coding-DNA position 1884, one base duplicated (A; older notation c.1884dupA).
Protein change: p.Trp629fs; shifts the reading frame from tryptophan 629.
Molecular consequence: frameshift variant.
Genome position (GRCh38, 1-based): chr14:87,939,932, T duplicated on the plus strand (A on the coding strand, the reverse complement: GALC is on the minus strand); the first of 7 consecutive T bases (chr14:87,939,932-87,939,938); duplicating any one gives the same sequence. VCF-style (leftmost placement, unchanged base first): chr14-87939931-A-AT. GRCh37 (hg19) VCF-style: chr14-88406275-A-AT.
Other names: c.1884dup (NM_000153.3); c.1884dupA (NM_000153.3); c.1815dup, p.Trp606fs (NM_001201401.2); c.1806dup, p.Trp603fs (NM_001201402.2); short protein forms W629fs, W603fs, W606fs.
Identifiers: ClinVar variation 557679 (VCV000557679.12), dbSNP rs1336726861, ClinGen allele CA615270109.